The following is an entry in ClinVar:

NM_001148.6(ANK2):c.10102G>A (p.Val3368Ile)

Gene: ANK2 (ankyrin 2; plus strand). Cytogenetic location: 4q26.
Variant type: single nucleotide variant.
Coding change: c.10102G>A on transcript NM_001148.6 (MANE Select); coding-DNA position 10102, G replaced by A.
Protein change: p.Val3368Ile; replaces valine 3368 with isoleucine.
Molecular consequence: missense variant. On other transcripts: intron variant (68).
Genome position (GRCh38, 1-based): chr4:113,358,720, G>A. VCF-style: chr4-113358720-G-A. GRCh37 (hg19) VCF-style: chr4-114279876-G-A.
Other names: c.9868G>A, p.Val3290Ile (NM_001386142.1); c.6502G>A, p.Val2168Ile (NM_001386166.1); c.10243G>A, p.Val3415Ile (NM_001386174.1); c.10219G>A, p.Val3407Ile (NM_001386175.1); c.4412-2103G>A (NM_001386186.2, NM_001386148.2); c.4214-2103G>A (NM_001354269.3); c.4292-2103G>A (NM_001386187.2); c.4253-2103G>A (NM_001386147.1); and 36 more; short protein forms V3290I, V2168I, V3368I, V3415I, V3407I.
Identifiers: ClinVar variation 1520356 (VCV001520356.9), dbSNP rs767395287, ClinGen allele CA3052025.
Genomic context (GRCh38, chr4:113,358,720, plus strand): 5'-CTCCCTGTCAAAGTACCCCTCCAAAGAGTTGAACAGCAGCTCTCAGATCTAGACACCTCT[G>A]TCCAGAAGACAGTGGCTCCTCAGGGACAGGACATGGCAAGCATCGCACCAGATAATAGAA-3'
Protein context (NP_001139.3, residues 3358-3378): EQQLSDLDTS[Val3368Ile]QKTVAPQGQD

ClinVar aggregate classification (germline): Uncertain significance. Review status: criteria provided, multiple submitters, no conflicts (2 of 4 stars). 2 submissions from 2 submitters: Uncertain significance (2). Last evaluated 2025-08-08.

Conditions:
Long QT syndrome (LQTS). Identifiers: MedGen C0023976, MeSH D008133, MONDO:0002442. Disease mechanism: loss of function. Inheritance: Various modes of inheritance.
Cardiovascular phenotype. Identifiers: MedGen CN230736.

Allele frequency attached by ClinVar (database versions not stated): ExAC 0.00001; gnomAD 0.00001; TOPMed 0.00001.
gnomAD v4.1: 9 of 1,613,950 alleles (0.00056%); highest among the groups gnomAD compares: Admixed American, 0.0017%; no homozygotes.

Submissions (2):

Ambry Genetics
Classification: Uncertain significance for Cardiovascular phenotype. Last evaluated: 2025-08-08. Review status: criteria provided, single submitter. Criteria: Ambry Variant Classification Scheme 2023. Collection method: clinical testing. Allele origin: germline.

Labcorp Genetics (formerly Invitae), Labcorp
Classification: Uncertain significance for Long QT syndrome. Last evaluated: 2021-04-05. Review status: criteria provided, single submitter. Criteria: Invitae Variant Classification Sherloc (09022015). Collection method: clinical testing. Allele origin: germline.
Comment: In summary, the available evidence is currently insufficient to determine the role of this variant in disease. Therefore, it has been classified as a Variant of Uncertain Significance. Algorithms developed to predict the effect of missense changes on protein structure and function (SIFT, PolyPhen-2, Align-GVGD) all suggest that this variant is likely to be tolerated, but these predictions have not been confirmed by published functional studies and their clinical significance is uncertain. This variant has not been reported in the literature in individuals with ANK2-related conditions. This variant is present in population databases (rs767395287, ExAC 0.009%). This sequence change replaces valine with isoleucine at codon 3368 of the ANK2 protein (p.Val3368Ile). The valine residue is weakly conserved and there is a small physicochemical difference between valine and isoleucine.